The following is an entry in ClinVar:

NM_005670.4(EPM2A):c.934C>T (p.Arg312Trp)

Gene: EPM2A (EPM2A glucan phosphatase, laforin; minus strand). Cytogenetic location: 6q24.3.
Variant type: single nucleotide variant.
Coding change: c.934C>T on transcript NM_005670.4 (MANE Select); coding-DNA position 934, C replaced by T.
Protein change: p.Arg312Trp; replaces arginine 312 with tryptophan.
Molecular consequence: missense variant. On other transcripts: 3 prime UTR variant (1), non-coding transcript variant (1), intron variant (1).
Genome position (GRCh38, 1-based): chr6:145,627,478, G>A on the plus strand (C>T on the coding strand, the complement: EPM2A is on the minus strand). VCF-style: chr6-145627478-G-A. GRCh37 (hg19) VCF-style: chr6-145948614-G-A.
Other names: c.*17C>T (NM_001360057.2); c.520C>T, p.Arg174Trp (NM_001360064.2, NM_001360071.2, NM_001368131.1); c.472C>T, p.Arg158Trp (NM_001368129.2, NM_001368132.1); c.924+10C>T (NM_001018041.2); short protein forms R158W, R174W, R312W.
Identifiers: ClinVar variation 1358980 (VCV001358980.6), dbSNP rs766334722, ClinGen allele CA4035041.

ClinVar aggregate classification (germline): Uncertain significance. Review status: criteria provided, multiple submitters, no conflicts (2 of 4 stars). 2 submissions from 2 submitters: Uncertain significance (2). Last evaluated 2025-06-22.

Conditions:
Progressive myoclonic epilepsy. Also called: Myoclonic Epilepsies, Progressive; Progressive myoclonus epilepsy; Familial progressive myoclonic epilepsy; Myoclonus epilepsy. Identifiers: Orphanet 308, Orphanet 98261, MedGen C0751778, MONDO:0020074.
Inborn genetic diseases. Identifiers: MedGen C0950123, MeSH D030342.

Allele frequency attached by ClinVar (database versions not stated): gnomAD exomes 0.00003 and 0.00002; ExAC 0.00002.
gnomAD v4.1: 42 of 1,614,094 alleles (0.0026%); highest among the groups gnomAD compares: African/African-American, 0.0067%; no homozygotes.

Submissions (2):

Ambry Genetics
Classification: Uncertain significance for Inborn genetic diseases. Last evaluated: 2025-06-22. Review status: criteria provided, single submitter. Criteria: Ambry Variant Classification Scheme 2023. Collection method: clinical testing. Allele origin: germline.

Labcorp Genetics (formerly Invitae), Labcorp
Classification: Uncertain significance for Progressive myoclonic epilepsy. Last evaluated: 2022-07-18. Review status: criteria provided, single submitter. Criteria: Invitae Variant Classification Sherloc (09022015). Collection method: clinical testing. Allele origin: germline.
Comment: This sequence change replaces arginine, which is basic and polar, with tryptophan, which is neutral and slightly polar, at codon 312 of the EPM2A protein (p.Arg312Trp). This variant is present in population databases (rs766334722, gnomAD 0.008%). This variant has not been reported in the literature in individuals affected with EPM2A-related conditions. ClinVar contains an entry for this variant (Variation ID: 1358980). Algorithms developed to predict the effect of missense changes on protein structure and function are either unavailable or do not agree on the potential impact of this missense change (SIFT: "Deleterious"; PolyPhen-2: "Benign"; Align-GVGD: "Class C15"). In summary, the available evidence is currently insufficient to determine the role of this variant in disease. Therefore, it has been classified as a Variant of Uncertain Significance.